The following is an entry in ClinVar:

NM_001042492.3(NF1):c.3729_3731dup (p.Val1244_Thr1245insVal)

Gene: NF1 (neurofibromin 1; plus strand). Cytogenetic location: 17q11.2.
Variant type: Duplication.
Coding change: c.3729_3731dup on transcript NM_001042492.3 (MANE Select); coding-DNA positions 3729 to 3731, 3 bases duplicated (GGT; older notation c.3729_3731dupGGT).
Protein change: p.Val1244_Thr1245insVal.
Molecular consequence: inframe insertion.
Genome position (GRCh38, 1-based): chr17:31,235,631-31,235,633, GGT duplicated; duplicating any 3 consecutive bases within chr17:31,235,630-31,235,633 gives the same sequence; the c. name uses the placement nearest the transcript's 3' end. VCF-style (leftmost placement, unchanged base first): chr17-31235629-C-CTGG. GRCh37 (hg19) VCF-style: chr17-29562647-C-CTGG.
Other names: c.3729_3731dup, p.Val1244_Thr1245insVal (NM_000267.4).
Identifiers: ClinVar variation 4282408 (VCV004282408.1).

ClinVar aggregate classification (germline): Uncertain significance (1 of 4 stars; one submission).

Submission:

GeneDx
Classification: Uncertain significance. Last evaluated: 2025-04-16. Review status: criteria provided, single submitter. Criteria: GeneDx Variant Classification Process June 2021. Collection method: clinical testing. Allele origin: germline. Affected: yes.
Comment: Not observed at significant frequency in large population cohorts (gnomAD); In silico analysis supports a deleterious effect on protein structure/function; Has not been previously published as pathogenic or benign to our knowledge; In-frame duplication of 1 amino acid with an unclear effect on protein function; This variant is associated with the following publications: (PMID: 22807134, 25486365)